The following is an entry in ClinVar:

NM_004618.5(TOP3A):c.2293C>T (p.Arg765Cys)

Gene: TOP3A (DNA topoisomerase III alpha; minus strand). Cytogenetic location: 17p11.2.
Variant type: single nucleotide variant.
Coding change: c.2293C>T on transcript NM_004618.5 (MANE Select); coding-DNA position 2293, C replaced by T.
Protein change: p.Arg765Cys; replaces arginine 765 with cysteine.
Molecular consequence: missense variant.
Genome position (GRCh38, 1-based): chr17:18,278,209, G>A on the plus strand (C>T on the coding strand, the complement: TOP3A is on the minus strand). VCF-style: chr17-18278209-G-A. GRCh37 (hg19) VCF-style: chr17-18181523-G-A.
Other names: c.2008C>T, p.Arg670Cys (NM_001320759.2); c.2293C>T (NM_004618.3); short protein forms R670C, R765C.
Identifiers: ClinVar variation 2187523 (VCV002187523.3), dbSNP rs778544832, ClinGen allele CA8429627.

ClinVar aggregate classification (germline): Uncertain significance. Review status: criteria provided, multiple submitters, no conflicts (2 of 4 stars). 2 submissions from 2 submitters: Uncertain significance (2). Last evaluated 2024-01-29.

Conditions:
Inborn genetic diseases. Identifiers: MedGen C0950123, MeSH D030342.

Allele frequency attached by ClinVar (database versions not stated): TOPMed below 0.00001; gnomAD 0.00001; gnomAD exomes 0.00002; ExAC 0.00003.
gnomAD v4.1: 38 of 1,603,154 alleles (0.0024%); highest among the groups gnomAD compares: Middle Eastern, 0.22%; no homozygotes.

Submissions (2):

Ambry Genetics
Classification: Uncertain significance for Inborn genetic diseases. Last evaluated: 2024-01-29. Review status: criteria provided, single submitter. Criteria: Ambry Variant Classification Scheme 2023. Collection method: clinical testing. Allele origin: germline.

Labcorp Genetics (formerly Invitae), Labcorp
Classification: Uncertain significance. Last evaluated: 2022-09-27. Review status: criteria provided, single submitter. Criteria: Invitae Variant Classification Sherloc (09022015). Collection method: clinical testing. Allele origin: germline.
Comment: In summary, the available evidence is currently insufficient to determine the role of this variant in disease. Therefore, it has been classified as a Variant of Uncertain Significance. Algorithms developed to predict the effect of missense changes on protein structure and function are either unavailable or do not agree on the potential impact of this missense change (SIFT: "Not Available"; PolyPhen-2: "Benign"; Align-GVGD: "Not Available"). This variant has not been reported in the literature in individuals affected with TOP3A-related conditions. This variant is present in population databases (rs778544832, gnomAD 0.007%). This sequence change replaces arginine, which is basic and polar, with cysteine, which is neutral and slightly polar, at codon 765 of the TOP3A protein (p.Arg765Cys).